The following is an entry in ClinVar:

NM_019032.6(ADAMTSL4):c.892C>T (p.Arg298Cys)

Genes: ADAMTSL4 (ADAMTS like 4; plus strand), ADAMTSL4-AS2 (ADAMTSL4 antisense RNA 2; minus strand). Cytogenetic location: 1q21.2.
Variant type: single nucleotide variant.
Coding change: c.892C>T on transcript NM_019032.6 (MANE Select); coding-DNA position 892, C replaced by T.
Protein change: p.Arg298Cys; replaces arginine 298 with cysteine.
Molecular consequence: missense variant.
Genome position (GRCh38, 1-based): chr1:150,553,883, C>T. VCF-style: chr1-150553883-C-T. GRCh37 (hg19) VCF-style: chr1-150526359-C-T.
Other names: c.892C>T, p.Arg298Cys (NM_001288607.2, NM_001288608.2, NM_001378596.1 and 1 more transcripts); short protein forms R298C.
Identifiers: ClinVar variation 2419521 (VCV002419521.5), dbSNP rs747011314, ClinGen allele CA1078061.

ClinVar aggregate classification (germline): Uncertain significance (1 of 4 stars; one submission).

Allele frequency attached by ClinVar (database versions not stated): gnomAD exomes 0.00004; gnomAD 0.00005; TOPMed 0.00009; ExAC 0.00011.
gnomAD v4.1: 65 of 1,613,850 alleles (0.004%); highest among the groups gnomAD compares: East Asian, 0.078%; no homozygotes.

Submission:

Labcorp Genetics (formerly Invitae), Labcorp
Classification: Uncertain significance. Last evaluated: 2024-10-22. Review status: criteria provided, single submitter. Criteria: Invitae Variant Classification Sherloc (09022015). Collection method: clinical testing. Allele origin: germline.
Comment: This sequence change replaces arginine, which is basic and polar, with cysteine, which is neutral and slightly polar, at codon 298 of the ADAMTSL4 protein (p.Arg298Cys). This variant is present in population databases (rs747011314, gnomAD 0.2%). This variant has not been reported in the literature in individuals affected with ADAMTSL4-related conditions. ClinVar contains an entry for this variant (Variation ID: 2419521). Invitae Evidence Modeling of protein sequence and biophysical properties (such as structural, functional, and spatial information, amino acid conservation, physicochemical variation, residue mobility, and thermodynamic stability) indicates that this missense variant is not expected to disrupt ADAMTSL4 protein function with a negative predictive value of 80%. In summary, the available evidence is currently insufficient to determine the role of this variant in disease. Therefore, it has been classified as a Variant of Uncertain Significance.